The following is an entry in ClinVar:

ClinVar aggregate classification (germline): Likely benign (0 of 4 stars; one submission).

Conditions:
KIDINS220-related disorder. Also called: KIDINS220-related condition.

gnomAD v4.1: 2 of 1,287,124 alleles (0.00016%); highest among the groups gnomAD compares: Non-Finnish European, 0.0002%; no homozygotes.

Submission:

PreventionGenetics, part of Exact Sciences
Classification: Likely benign for KIDINS220-related condition. Last evaluated: 2022-04-01. Review status: no assertion criteria provided. Collection method: clinical testing. Allele origin: germline.
Comment: This variant is classified as likely benign based on ACMG/AMP sequence variant interpretation guidelines (Richards et al. 2015 PMID: 25741868, with internal and published modifications).

NC_000002.12:g.8726890A>C

Gene: KIDINS220 (kinase D interacting substrate 220; minus strand). Cytogenetic location: 2p25.1.
Variant type: single nucleotide variant.
Molecular consequence: 3 prime UTR variant (on NM_001348738.2). On other transcripts: non-coding transcript variant (2).
Genome position: GRCh38 VCF-style: chr2-8726890-A-C. GRCh37 (hg19) VCF-style: chr2-8867020-A-C.
Other names: c.*3T>G (NM_001348738.2, NM_001348739.2, NM_001348740.2 and 3 more transcripts).
Identifiers: ClinVar variation 3353364 (VCV003353364.1).
Genomic context (GRCh38, chr2:8,726,890, plus strand): 5'-AACGTCCTAACGTGGCATATGACTGCAGCTGACTTCGAAAACTAATTTTTTACATACCTT[A>C]GTTTAATCTGGATCCTCTGAAGAGCTATCTATCTCAAGGCCAGCATTTTCTTCCTAGGCA-3'